The following is an entry in ClinVar:

NM_016239.4(MYO15A):c.9387-2A>G

Genes: MYO15A (myosin XVA; plus strand), LOC130060418 (ATAC-STARR-seq lymphoblastoid active region 11828; plus strand). Cytogenetic location: 17p11.2.
Variant type: single nucleotide variant.
Coding change: c.9387-2A>G on transcript NM_016239.4 (MANE Select); the canonical splice acceptor site of the intron before coding-DNA position 9387, A replaced by G.
Molecular consequence: splice acceptor variant.
Genome position (GRCh38, 1-based): chr17:18,161,315, A>G. VCF-style: chr17-18161315-A-G. GRCh37 (hg19) VCF-style: chr17-18064629-A-G.
Identifiers: ClinVar variation 3601421 (VCV003601421.1).

ClinVar aggregate classification (germline): Pathogenic (1 of 4 stars; one submission).

Conditions:
Autosomal recessive nonsyndromic hearing loss 3. Also called: NEUROSENSORY NONSYNDROMIC RECESSIVE DEAFNESS 3. Identifiers: Orphanet 90636, MedGen C1838263, MONDO:0010860, OMIM 600316.

Submission:

Institute of Rare Diseases, West China Hospital, Sichuan University
Classification: Pathogenic for Autosomal recessive nonsyndromic hearing loss 3. Last evaluated: 2025-01-09. Review status: criteria provided, single submitter. Criteria: ClinGen HL ACMG Specifications v1. Collection method: research. Allele origin: germline. Affected: yes.
Comment: PVS1;PM3;PM2_Supporting